The following is an entry in ClinVar:

ClinVar aggregate classification (germline): Benign/Likely benign. Review status: criteria provided, multiple submitters, no conflicts (2 of 4 stars). 3 submissions from 3 submitters: Benign (2); Likely benign (1). Last evaluated 2026-02-01.

Allele frequency attached by ClinVar (database versions not stated): gnomAD 0.00026 and 0.00048; TOPMed 0.00037; ESP Exome Variant Server 0.00047; gnomAD exomes 0.00103; 1000 Genomes Project 30x 0.00125; ExAC 0.00127; 1000 Genomes Project 0.00160.
gnomAD v4.1: 951 of 1,601,646 alleles (0.059%); highest among the groups gnomAD compares: South Asian, 0.58%; 13 homozygotes.

Submissions (3):

CeGaT Center for Human Genetics Tuebingen
Classification: Likely benign. Last evaluated: 2026-02-01. Review status: criteria provided, single submitter. Criteria: CeGaT Center For Human Genetics Tuebingen Variant Classification Criteria Version 2. Collection method: clinical testing. Allele origin: germline. Affected: yes. Observed: 1 variant allele.
Comment: TUBGCP4: BS2

Labcorp Genetics (formerly Invitae), Labcorp
Classification: Benign. Last evaluated: 2026-01-20. Review status: criteria provided, single submitter. Criteria: Invitae Variant Classification Sherloc (09022015). Collection method: clinical testing. Allele origin: germline.

Breakthrough Genomics
Classification: Benign. Review status: criteria provided, single submitter. Criteria: ACMG Guidelines, 2015. Collection method: not provided. Allele origin: germline. Inheritance: Autosomal recessive inheritance. Affected: yes.

NM_014444.5(TUBGCP4):c.1172-17C>T

Gene: TUBGCP4 (tubulin gamma complex component 4; plus strand). Cytogenetic location: 15q15.3.
Variant type: single nucleotide variant.
Coding change: c.1172-17C>T on transcript NM_014444.5 (MANE Select); 17 bases into the intron before coding-DNA position 1172, C replaced by T.
Molecular consequence: intron variant.
Genome position (GRCh38, 1-based): chr15:43,397,197, C>T. VCF-style: chr15-43397197-C-T. GRCh37 (hg19) VCF-style: chr15-43689395-C-T.
Other names: c.1172-17C>T (NM_001286414.3).
Identifiers: ClinVar variation 1170953 (VCV001170953.14), dbSNP rs369449749, ClinGen allele CA7524021.